The following is an entry in ClinVar:

NM_007126.3(VCP):c.-368A>T

Gene: VCP (valosin containing protein; minus strand). Cytogenetic location: 9p13.3.
Variant type: single nucleotide variant.
Coding change: c.-368A>T on transcript NM_007126.3; 368 bases upstream of the start codon, A replaced by T.
Genome position (GRCh38, 1-based): chr9:35,072,721, T>A on the plus strand (A>T on the coding strand, the complement: VCP is on the minus strand). VCF-style: chr9-35072721-T-A. GRCh37 (hg19) VCF-style: chr9-35072718-T-A.
Identifiers: ClinVar variation 4981487 (VCV004981487.1).

ClinVar aggregate classification (germline): Likely benign (1 of 4 stars; one submission).

Conditions:
VCP-related disorder. Also called: VCP-related condition; VCP-related disorders.

Submission:

PreventionGenetics, part of Exact Sciences
Classification: Likely benign for VCP-related condition. Last evaluated: 2025-07-22. Review status: criteria provided, single submitter. Criteria: ACMG Guidelines, 2015. Collection method: clinical testing. Allele origin: germline.
Comment: This variant is classified as likely benign based on ACMG/AMP sequence variant interpretation guidelines (Richards et al. 2015 PMID: 25741868, with internal and published modifications).